The following is an entry in ClinVar:

NM_000030.3(AGXT):c.942+1G>T

Gene: AGXT (alanine--glyoxylate aminotransferase; plus strand). Cytogenetic location: 2q37.3.
Variant type: single nucleotide variant.
Coding change: c.942+1G>T on transcript NM_000030.3 (MANE Select); the canonical splice donor site of the intron after coding-DNA position 942, G replaced by T.
Molecular consequence: splice donor variant.
Genome position (GRCh38, 1-based): chr2:240,877,633, G>T. VCF-style: chr2-240877633-G-T. GRCh37 (hg19) VCF-style: chr2-241817050-G-T.
Identifiers: ClinVar variation 204161 (VCV000204161.11), dbSNP rs180177297, ClinGen allele CA275801.

ClinVar aggregate classification (germline): Pathogenic/Likely pathogenic. Review status: criteria provided, multiple submitters, no conflicts (2 of 4 stars). 4 submissions from 4 submitters: Pathogenic (2); Likely pathogenic (1). 1 of the submissions does not count toward it. Last evaluated 2025-10-03.

Conditions:
Primary hyperoxaluria, type I (HP1). Also called: GLYCOLIC ACIDURIA; HEPATIC AGT DEFICIENCY; OXALOSIS I; Primary hyperoxaluria type 1. Identifiers: Orphanet 416, Orphanet 93598, MedGen C0268164, MONDO:0009823, OMIM 259900. Disease mechanism: loss of function.

Submissions (4):

Rare Kidney Stone Consortium and the Mayo Clinic Hyperoxaluria Center, Mayo Clinic
Classification: Pathogenic for Primary hyperoxaluria, type I. Last evaluated: 2025-10-03. Review status: criteria provided, single submitter. Criteria: ACMG Guidelines, 2015. Collection method: research. Allele origin: germline. Affected: yes. Observed: 2 variant alleles.
Comment: ACMG:PVS1, PM2, PP5

GeneDx
Classification: Likely pathogenic. Last evaluated: 2025-08-12. Review status: criteria provided, single submitter. Criteria: GeneDx Variant Classification Process June 2021. Collection method: clinical testing. Allele origin: germline.
Comment: Canonical splice site variant predicted to result in an in-frame loss of the adjacent exon in a gene for which loss of function is a known mechanism of disease; Not observed at significant frequency in large population cohorts (gnomAD); This variant is associated with the following publications: (PMID: 25525159, 31152479, 15849466)

Labcorp Genetics (formerly Invitae), Labcorp
Classification: Pathogenic. Last evaluated: 2021-10-15. Review status: criteria provided, single submitter. Criteria: Invitae Variant Classification Sherloc (09022015). Collection method: clinical testing. Allele origin: germline.
Comment: This variant is not present in population databases (ExAC no frequency). Disruption of this splice site has been observed in individual(s) with hyperoxaluria (PMID: 15849466). This variant is also known as IVS9+1G>T. ClinVar contains an entry for this variant (Variation ID: 204161). Algorithms developed to predict the effect of sequence changes on RNA splicing suggest that this variant may disrupt the consensus splice site. For these reasons, this variant has been classified as Pathogenic. This sequence change affects a donor splice site in intron 9 of the AGXT gene. It is expected to disrupt RNA splicing. Variants that disrupt the donor or acceptor splice site typically lead to a loss of protein function (PMID: 16199547), and loss-of-function variants in AGXT are known to be pathogenic (PMID: 19479957).

Clinical Biochemistry Laboratory, Health Services Laboratory
Classification: Pathogenic for Primary hyperoxaluria, type I. Last evaluated: 2014-11-27. Review status: no assertion criteria provided. Collection method: research. Allele origin: germline. Affected: yes. Not counted in ClinVar's aggregate classification.

Literature cited by the submitters: PubMed 15849466 (cited by 3 submitters); PubMed 25525159 (cited by Rare Kidney Stone Consortium and the Mayo Clinic Hyperoxaluria Center, Mayo Clinic); PubMed 40794449 (cited by Rare Kidney Stone Consortium and the Mayo Clinic Hyperoxaluria Center, Mayo Clinic); PubMed 16199547 (cited by Labcorp Genetics (formerly Invitae), Labcorp); PubMed 19479957 (cited by Labcorp Genetics (formerly Invitae), Labcorp).